The following is an entry in ClinVar:

ClinVar aggregate classification (germline): Conflicting classifications of pathogenicity. Review status: criteria provided, conflicting classifications (1 of 4 stars). 5 submissions from 5 submitters: Uncertain significance (4); Likely benign (1). Last evaluated 2025-08-25.

Conditions:
Arrhythmogenic right ventricular cardiomyopathy (ARVD). Also called: Cardiomyopathy, ARVC; Arrhythmogenic right ventricular dysplasia; Arrhythmogenic Right Ventricular Cardiomyopathy (ARVC); Arrhythmogenic cardiomyopathy. Identifiers: Orphanet 247, MedGen C0349788, MeSH D019571, MONDO:0016587. Disease mechanism: loss of function. Inheritance: Various modes of inheritance.
Cardiovascular phenotype. Identifiers: MedGen CN230736.
Cardiomyopathy (CMYO). Also called: Cardiomyopathies. Identifiers: Orphanet 167848, MedGen C0878544, MONDO:0004994, HP:0001638. Inheritance: Various modes of inheritance.
Arrhythmogenic right ventricular dysplasia 10. Also called: Arrhythmogenic right ventricular dysplasia/cardiomyopathy, type 10; Arrhythmogenic Right Ventricular Dysplasia/Cardiomyopathy10; ARRHYTHMOGENIC RIGHT VENTRICULAR DYSPLASIA, FAMILIAL, 10. Identifiers: MedGen C1857777, MONDO:0012434, OMIM 610193.

Allele frequency attached by ClinVar (database versions not stated): gnomAD exomes below 0.00001; ExAC 0.00001.
gnomAD v4.1: 7 of 1,609,876 alleles (0.00043%); highest among the groups gnomAD compares: South Asian, 0.0033%; no homozygotes.

Submissions (5):

Color Diagnostics, LLC DBA Color Health
Classification: Likely benign for Cardiomyopathy. Last evaluated: 2025-08-25. Review status: criteria provided, single submitter. Criteria: ACMG Guidelines, 2015. Collection method: clinical testing. Allele origin: germline.

Labcorp Genetics (formerly Invitae), Labcorp
Classification: Uncertain significance for Arrhythmogenic right ventricular dysplasia 10. Last evaluated: 2024-12-30. Review status: criteria provided, single submitter. Criteria: Invitae Variant Classification Sherloc (09022015). Collection method: clinical testing. Allele origin: germline.
Comment: This sequence change replaces glutamic acid, which is acidic and polar, with lysine, which is basic and polar, at codon 982 of the DSG2 protein (p.Glu982Lys). This variant is not present in population databases (gnomAD no frequency). This missense change has been observed in individual(s) with clinical features of DSG2-related conditions (PMID: 31983221). ClinVar contains an entry for this variant (Variation ID: 1332669). Invitae Evidence Modeling of protein sequence and biophysical properties (such as structural, functional, and spatial information, amino acid conservation, physicochemical variation, residue mobility, and thermodynamic stability) indicates that this missense variant is not expected to disrupt DSG2 protein function with a negative predictive value of 95%. In summary, the available evidence is currently insufficient to determine the role of this variant in disease. Therefore, it has been classified as a Variant of Uncertain Significance.

All of Us Research Program, National Institutes of Health
Classification: Uncertain significance for Arrhythmogenic right ventricular cardiomyopathy. Last evaluated: 2023-03-23. Review status: criteria provided, single submitter. Criteria: ACMG Guidelines, 2015. Collection method: clinical testing. Allele origin: germline. Inheritance: Autosomal dominant inheritance. Observed: 1 variant allele, 1 heterozygote.
Comment: This missense variant replaces glutamic acid with lysine at codon 982 of the DSG2 protein. Computational prediction suggests that this variant may not impact protein structure and function (internally defined REVEL score threshold <= 0.5, PMID: 27666373). To our knowledge, functional studies have not been reported for this variant. This variant has been reported in an individual affected with dilated cardiomyopathy as well as in a healthy individual (PMID: 31983221). This variant has not been identified in the general population by the Genome Aggregation Database (gnomAD). The available evidence is insufficient to determine the role of this variant in disease conclusively. Therefore, this variant is classified as a Variant of Uncertain Significance.

This study involves interpretation of variants in research participants for the purpose of population health screening. Participant phenotype was not available at the time of variant classification. Additional details can be found in publication PMID: 35346344, PMCID: PMC8962531

Ambry Genetics
Classification: Uncertain significance for Cardiovascular phenotype. Last evaluated: 2021-12-23. Review status: criteria provided, single submitter. Criteria: Ambry Variant Classification Scheme 2023. Collection method: clinical testing. Allele origin: germline.
Comment: The p.E982K variant (also known as c.2944G>A), located in coding exon 15 of the DSG2 gene, results from a G to A substitution at nucleotide position 2944. The glutamic acid at codon 982 is replaced by lysine, an amino acid with similar properties. This amino acid position is conserved. In addition, this alteration is predicted to be tolerated by in silico analysis. Since supporting evidence is limited at this time, the clinical significance of this alteration remains unclear.

Clinical Genomics Laboratory, Stanford Medicine
Classification: Uncertain significance for Arrhythmogenic right ventricular dysplasia 10. Last evaluated: 2021-07-26. Review status: criteria provided, single submitter. Criteria: ACMG Guidelines, 2015. Collection method: clinical testing. Allele origin: germline. Affected: yes. Observed: 1 heterozygote.
Comment: The p.Glu982Lys variant in the DSG2gene has not been previously reported in association with disease. This variant was absent from large population databases, including the Genome Aggregation Database. The glutamic acid at position 982 is not evolutionarily conserved and 3 vertebrate species have a lysine at this position. Computational tools predict that the p.Glu982Lys variant does not impact protein function; however, the accuracy of in silicoalgorithms is limited. These data were assessed using the ACMG/AMP variant interpretation guidelines. In summary, the significance of thep.Glu982Lysvariant is uncertain. Additional information is needed to resolve the significance of this variant. [ACMG evidence codes used: PM2; BP4]

Literature cited by the submitters: PubMed 31983221 (cited by Labcorp Genetics (formerly Invitae), Labcorp and All of Us Research Program, National Institutes of Health).

NM_001943.5(DSG2):c.2944G>A (p.Glu982Lys)

Genes: DSG2 (desmoglein 2; plus strand), DSG2-AS1 (DSG2 antisense RNA 1; minus strand). Cytogenetic location: 18q12.1.
Variant type: single nucleotide variant.
Coding change: c.2944G>A on transcript NM_001943.5 (MANE Select); coding-DNA position 2944, G replaced by A.
Protein change: p.Glu982Lys; replaces glutamic acid 982 with lysine.
Molecular consequence: missense variant.
Genome position (GRCh38, 1-based): chr18:31,546,330, G>A. VCF-style: chr18-31546330-G-A. GRCh37 (hg19) VCF-style: chr18-29126293-G-A.
Other names: p.Glu982Lys; short protein forms E982K.
Identifiers: ClinVar variation 1332669 (VCV001332669.11), dbSNP rs781744343, ClinGen allele CA047523.